The following is an entry in ClinVar:

NM_024649.5(BBS1):c.1240G>T (p.Glu414Ter)

Genes: BBS1 (Bardet-Biedl syndrome 1; plus strand), ZDHHC24 (zDHHC palmitoyltransferase 24; minus strand). Cytogenetic location: 11q13.2.
Variant type: single nucleotide variant.
Coding change: c.1240G>T on transcript NM_024649.5 (MANE Select); coding-DNA position 1240, G replaced by T.
Protein change: p.Glu414Ter; replaces glutamic acid 414 with a stop codon.
Molecular consequence: nonsense. On other transcripts: intron variant (1).
Genome position (GRCh38, 1-based): chr11:66,526,708, G>T. VCF-style: chr11-66526708-G-T. GRCh37 (hg19) VCF-style: chr11-66294179-G-T.
Other names: c.*21+228C>A (NM_001348571.2); short protein forms E414*.
Identifiers: ClinVar variation 412287 (VCV000412287.10), dbSNP rs1060503690, ClinGen allele CA16613438.

ClinVar aggregate classification (germline): Pathogenic/Likely pathogenic. Review status: criteria provided, multiple submitters, no conflicts (2 of 4 stars). 3 submissions from 3 submitters: Pathogenic (1); Likely pathogenic (1). 1 of the submissions does not count toward it. Last evaluated 2025-11-10.

Conditions:
Bardet-Biedl syndrome 1 (BBS1). Identifiers: MedGen C2936862, MONDO:0008854, OMIM 209900. Disease mechanism: loss of function.
Bardet-Biedl syndrome (BBS). Identifiers: Orphanet 110, MedGen C0752166, MONDO:0015229.

Submissions (3):

Natera, Inc.
Classification: Likely pathogenic for Bardet-Biedl syndrome type 1. Last evaluated: 2025-11-10. Review status: criteria provided, single submitter. Criteria: Natera Variant Classification Schema (03/2026). Collection method: clinical testing. Allele origin: germline.
Comment: The c.1240G>T variant in BBS1 is a nonsense variant predicted to introduce a stop codon at amino acid 414. This variant is expected to result in nonsense mediated decay, truncation, or a dysfunctional protein product. This variant is rare in the general population with a frequency below the threshold expected for the associated phenotype(s). Given the available evidence, this variant is classified as Likely Pathogenic.

Labcorp Genetics (formerly Invitae), Labcorp
Classification: Pathogenic for Bardet-Biedl syndrome. Last evaluated: 2024-03-07. Review status: criteria provided, single submitter. Criteria: Invitae Variant Classification Sherloc (09022015). Collection method: clinical testing. Allele origin: germline.
Comment: This sequence change creates a premature translational stop signal (p.Glu414*) in the BBS1 gene. It is expected to result in an absent or disrupted protein product. Loss-of-function variants in BBS1 are known to be pathogenic (PMID: 12118255, 21520335, 27032803). This variant is not present in population databases (gnomAD no frequency). This variant has not been reported in the literature in individuals affected with BBS1-related conditions. ClinVar contains an entry for this variant (Variation ID: 412287). For these reasons, this variant has been classified as Pathogenic.

Counsyl
Classification: Likely pathogenic for Bardet-Biedl syndrome 1. Last evaluated: 2014-07-24. Review status: no assertion criteria provided. Collection method: clinical testing. Allele origin: unknown. Not counted in ClinVar's aggregate classification.

Literature cited by the submitters: PubMed 12118255 (cited by Labcorp Genetics (formerly Invitae), Labcorp); PubMed 21520335 (cited by Labcorp Genetics (formerly Invitae), Labcorp); PubMed 27032803 (cited by Labcorp Genetics (formerly Invitae), Labcorp).